The following is an entry in ClinVar:

NM_005188.3(CBL):c.-106G>A

Genes: CBL (Cbl proto-oncogene; plus strand), FRA11B (fragile site, folic acid type, rare, fra(11)(q23.3); plus strand), LOC130006894 (ATAC-STARR-seq lymphoblastoid silent region 3974; plus strand). Cytogenetic location: 11q23.3.
Variant type: single nucleotide variant.
Coding change: c.-106G>A on transcript NM_005188.3; 106 bases upstream of the start codon, G replaced by A.
Genome position (GRCh38, 1-based): chr11:119,206,312, G>A. VCF-style: chr11-119206312-G-A. GRCh37 (hg19) VCF-style: chr11-119077022-G-A.
Identifiers: ClinVar variation 302771 (VCV000302771.7), dbSNP rs569014495, ClinGen allele CA10633637.

ClinVar aggregate classification (germline): Benign (1 of 4 stars; one submission).

Conditions:
CBL-related disorder. Also called: CBL MUTATION-ASSOCIATED SYNDROME; CBL SYNDROME; NOONAN SYNDROME-LIKE DISORDER WITHOUT JUVENILE MYELOMONOCYTIC LEUKEMIA. Identifiers: Orphanet 363972, MedGen C3150803, MONDO:0013308, OMIM 613563.

Allele frequency attached by ClinVar (database versions not stated): 1000 Genomes Project 0.00100; gnomAD 0.00242 and 0.00249; TOPMed 0.00161; 1000 Genomes Project 30x 0.00203.

Submission:

Illumina Laboratory Services, Illumina
Classification: Benign for CBL-related disorder. Last evaluated: 2018-01-12. Review status: criteria provided, single submitter. Criteria: ICSL Variant Classification Criteria 13 December 2019. Collection method: clinical testing. Allele origin: germline.
Comment: This variant was observed in the ICSL laboratory as part of a predisposition screen in an ostensibly healthy population. It had not been previously curated by ICSL or reported in the Human Gene Mutation Database (HGMD: prior to June 1st, 2018), and was therefore a candidate for classification through an automated scoring system. Utilizing variant allele frequency, disease prevalence and penetrance estimates, and inheritance mode, an automated score was calculated to assess if this variant is too frequent to cause the disease. Based on the score and internal cut-off values, a variant classified as benign is not then subjected to further curation. The score for this variant resulted in a classification of benign for this disease.